The following is an entry in ClinVar:

ClinVar aggregate classification (germline): Likely pathogenic (1 of 4 stars; one submission).

Conditions:
Cerebellar ataxia, impaired intellectual development, and dysequilibrium syndrome 1. Also called: VLDLR Cerebellar Hypoplasia; Cerebellar ataxia, intellectual disability, and dysequilibrium syndrome 1; Cerebellar ataxia, mental retardation, and dysequilibrium syndrome 1; Cerebellar hypoplasia and mental retardation with or without quadrupedal locomotion 1; CEREBELLAR ATAXIA AND MENTAL RETARDATION WITH OR WITHOUT QUADRUPEDAL LOCOMOTION 1; CEREBELLAR ATAXIA, CONGENITAL, AND MENTAL RETARDATION, AUTOSOMAL RECESSIVE. Identifiers: Orphanet 1766, MedGen C4551552, MONDO:0024542, OMIM 224050.

Allele frequency attached by ClinVar (database versions not stated): TOPMed below 0.00001; gnomAD exomes below 0.00001.
gnomAD v4.1: 1 of 1,614,194 alleles (0.000062%); highest among the groups gnomAD compares: Non-Finnish European, 0.000085%; no homozygotes.

Submission:

3billion
Classification: Likely pathogenic for Cerebellar ataxia, impaired intellectual development, and dysequilibrium syndrome 1. Last evaluated: 2022-09-01. Review status: criteria provided, single submitter. Criteria: ACMG Guidelines, 2015. Collection method: clinical testing. Allele origin: germline. Affected: yes. Observed: 1 homozygote.
Comment: The variant is observed at an extremely low frequency in the gnomAD v2.1.1 dataset (total allele frequency: <0.001%). Stop-gained (nonsense) is predicted to result in a loss or disruption of normal protein function through nonsense-mediated decay (NMD) or protein truncation. Multiple pathogenic variants are reported downstream of the variant. Therefore, this variant is classified as Likely pathogenic according to the recommendation of ACMG/AMP guideline.

NM_003383.5(VLDLR):c.376C>T (p.Gln126Ter)

Gene: VLDLR (very low density lipoprotein receptor; plus strand). Cytogenetic location: 9p24.2.
Variant type: single nucleotide variant.
Coding change: c.376C>T on transcript NM_003383.5 (MANE Select); coding-DNA position 376, C replaced by T.
Protein change: p.Gln126Ter; replaces glutamine 126 with a stop codon.
Molecular consequence: nonsense. On other transcripts: intron variant (2).
Genome position (GRCh38, 1-based): chr9:2,641,427, C>T. VCF-style: chr9-2641427-C-T. GRCh37 (hg19) VCF-style: chr9-2641427-C-T.
Other names: c.376C>T, p.Gln126Ter (NM_001018056.3); c.325+1446C>T (NM_001322225.2, NM_001322226.2); short protein forms Q126*.
Identifiers: ClinVar variation 1705671 (VCV001705671.1), dbSNP rs1404412704, ClinGen allele CA372789341.